The following is an entry in ClinVar:

ClinVar aggregate classification (germline): Uncertain significance (1 of 4 stars; one submission).

Conditions:
Charcot-Marie-Tooth disease, dominant intermediate G. Identifiers: MedGen C4693509, MONDO:0036484, OMIM 617882.

Submission:

Institute of Human Genetics, University of Goettingen
Classification: Uncertain significance for Charcot-Marie-Tooth disease, dominant intermediate G. Last evaluated: 2021-03-08. Review status: criteria provided, single submitter. Criteria: ACMG Guidelines, 2015. Collection method: clinical testing. Allele origin: unknown. Inheritance: Autosomal dominant inheritance. Observed: 1 variant allele, 1 heterozygote.
Comment: The NEFL c.943_948dup (p.(Lys315_Thr316dup)) variant is not found in the gnomAD database and creates an in-frame duplication of the amino acids Lys and Thr within a protein domain. Most pathogenic variants in NEFL are missense variants; Truncating variants have been described to cause an autosomal recessive form of NEFL associated Charcotâ€“Marieâ€“Tooth disease, while in-frame-deletions have been described as both â€“ pathogenic & benign (PMID: 19158810; PMID: 17052987; PMID: 14586770). To date there is not enough evidence to classify this variant either as benign or as pathogenic. Thus, we consider this variant a variant of unknown significance. ACMG criteria used for classification: PM2, PM4.

NM_006158.5(NEFL):c.943_948dup (p.Lys315_Thr316dup)

Gene: NEFL (neurofilament light chain; minus strand). Cytogenetic location: 8p21.2.
Variant type: Duplication.
Coding change: c.943_948dup on transcript NM_006158.5 (MANE Select); coding-DNA positions 943 to 948, 6 bases duplicated (AAGACC; older notation c.943_948dupAAGACC).
Protein change: p.Lys315_Thr316dup.
Molecular consequence: inframe insertion.
Genome position (GRCh38, 1-based): chr8:24,955,568-24,955,573, GGTCTT duplicated on the plus strand (AAGACC on the coding strand, the reverse complement: NEFL is on the minus strand); duplicating any 6 consecutive bases within chr8:24,955,568-24,955,575 gives the same sequence; the c. name uses the placement nearest the transcript's 3' end. VCF-style (leftmost placement, unchanged base first): chr8-24955567-G-GGGTCTT. GRCh37 (hg19) VCF-style: chr8-24813081-G-GGGTCTT.
Other names: NFL.
Identifiers: ClinVar variation 1012265 (VCV001012265.3), dbSNP rs1803035040, ClinGen allele CA1771657373.
Genomic context (GRCh38, chr8:24,955,567, plus strand): 5'-CCAGCTCCTGCAGCTGCTTCTCCAGCGCTTCATTCATGCCCCGGCATGCTTCGATTTCCA[G>GGGTCTT]GGTCTTGGCCTTGAGCAGACGACGGCTCTCGGACACCTCGTCCTTGGCGGCGCGCACGGC-3'